The following is an entry in ClinVar:

ClinVar aggregate classification (germline): Uncertain significance (1 of 4 stars; one submission).

Allele frequency attached by ClinVar (database versions not stated): gnomAD exomes below 0.00001.
gnomAD v4.1: 2 of 1,209,872 alleles (0.00017%); highest among the groups gnomAD compares: South Asian, 0.0018%; no homozygotes.

Submission:

Labcorp Genetics (formerly Invitae), Labcorp
Classification: Uncertain significance. Last evaluated: 2024-06-03. Review status: criteria provided, single submitter. Criteria: Invitae Variant Classification Sherloc (09022015). Collection method: clinical testing. Allele origin: germline.
Comment: This sequence change replaces histidine, which is basic and polar, with arginine, which is basic and polar, at codon 59 of the XK protein (p.His59Arg). This variant is not present in population databases (gnomAD no frequency). This variant has not been reported in the literature in individuals affected with XK-related conditions. ClinVar contains an entry for this variant (Variation ID: 1715048). Advanced modeling of protein sequence and biophysical properties (such as structural, functional, and spatial information, amino acid conservation, physicochemical variation, residue mobility, and thermodynamic stability) performed at Invitae indicates that this missense variant is not expected to disrupt XK protein function with a negative predictive value of 80%. In summary, the available evidence is currently insufficient to determine the role of this variant in disease. Therefore, it has been classified as a Variant of Uncertain Significance.

NM_021083.4(XK):c.176A>G (p.His59Arg)

Gene: XK (X-linked Kx blood group antigen, Kell and VPS13A binding protein; plus strand). Cytogenetic location: Xp21.1.
Variant type: single nucleotide variant.
Coding change: c.176A>G on transcript NM_021083.4 (MANE Select); coding-DNA position 176, A replaced by G.
Protein change: p.His59Arg; replaces histidine 59 with arginine.
Molecular consequence: missense variant.
Genome position (GRCh38, 1-based): chrX:37,686,137, A>G. VCF-style: chrX-37686137-A-G. GRCh37 (hg19) VCF-style: chrX-37545390-A-G.
Other names: short protein forms H59R.
Identifiers: ClinVar variation 1715048 (VCV001715048.6), dbSNP rs1556440146, ClinGen allele CA412969179.